The following is an entry in ClinVar:

ClinVar aggregate classification (germline): Uncertain significance (1 of 4 stars; one submission).

Submission:

Ambry Genetics
Classification: Uncertain significance. Last evaluated: 2021-12-10. Review status: criteria provided, single submitter. Criteria: Ambry Variant Classification Scheme 2023. Collection method: clinical testing. Allele origin: germline.
Comment: The p.D697Y variant (also known as c.2089G>T), located in coding exon 19 of the PRKDC gene, results from a G to T substitution at nucleotide position 2089. The aspartic acid at codon 697 is replaced by tyrosine, an amino acid with highly dissimilar properties. This amino acid position is conserved. In addition, this alteration is predicted to be tolerated by in silico analysis. Since supporting evidence is limited at this time, the clinical significance of this alteration remains unclear.

NM_006904.7(PRKDC):c.2089G>T (p.Asp697Tyr)

Gene: PRKDC (protein kinase, DNA-activated, catalytic subunit; minus strand). Cytogenetic location: 8q11.21.
Variant type: single nucleotide variant.
Coding change: c.2089G>T on transcript NM_006904.7 (MANE Select); coding-DNA position 2089, G replaced by T.
Protein change: p.Asp697Tyr; replaces aspartic acid 697 with tyrosine.
Molecular consequence: missense variant.
Genome position (GRCh38, 1-based): chr8:47,929,142, C>A on the plus strand (G>T on the coding strand, the complement: PRKDC is on the minus strand). VCF-style: chr8-47929142-C-A. GRCh37 (hg19) VCF-style: chr8-48841702-C-A.
Other names: c.2089G>T, p.Asp697Tyr (NM_001081640.2); short protein forms D697Y.
Identifiers: ClinVar variation 1785690 (VCV001785690.2), dbSNP rs1215673684, ClinGen allele CA371163857.